The following is an entry in ClinVar:

ClinVar aggregate classification (germline): Uncertain significance. Review status: criteria provided, multiple submitters, no conflicts (2 of 4 stars). 3 submissions from 3 submitters: Uncertain significance (3). Last evaluated 2025-02-19.

Conditions:
Hereditary cancer-predisposing syndrome. Also called: Neoplastic Syndromes, Hereditary; Tumor predisposition; Hereditary Cancer Syndrome; Hereditary neoplastic syndrome. Identifiers: Orphanet 140162, MedGen C0027672, MeSH D009386, MONDO:0015356.
Breast-ovarian cancer, familial, susceptibility to, 4. Identifiers: Orphanet 145, MedGen C3280345, MONDO:0013669, OMIM 614291.

gnomAD v4.1: 1 of 1,612,260 alleles (0.000062%); highest among the groups gnomAD compares: Non-Finnish European, 0.000085%; no homozygotes.

Submissions (3):

Color Diagnostics, LLC DBA Color Health
Classification: Uncertain significance for Hereditary cancer-predisposing syndrome. Last evaluated: 2025-02-19. Review status: criteria provided, single submitter. Criteria: ACMG Guidelines, 2015. Collection method: clinical testing. Allele origin: germline.
Comment: This missense variant replaces leucine with valine at codon 8 of the RAD51D protein. Computational prediction suggests that this variant may not impact protein structure and function. To our knowledge, functional studies have not been reported for this variant. This variant has not been reported in individuals affected with hereditary cancer in the literature. This variant has not been identified in the general population by the Genome Aggregation Database (gnomAD). The available evidence is insufficient to determine the role of this variant in disease conclusively. Therefore, this variant is classified as a Variant of Uncertain Significance.

Labcorp Genetics (formerly Invitae), Labcorp
Classification: Uncertain significance for Breast-ovarian cancer, familial, susceptibility to, 4. Last evaluated: 2022-06-19. Review status: criteria provided, single submitter. Criteria: Invitae Variant Classification Sherloc (09022015). Collection method: clinical testing. Allele origin: germline.
Comment: In summary, the available evidence is currently insufficient to determine the role of this variant in disease. Therefore, it has been classified as a Variant of Uncertain Significance. Algorithms developed to predict the effect of missense changes on protein structure and function are either unavailable or do not agree on the potential impact of this missense change (SIFT: "Deleterious"; PolyPhen-2: "Possibly Damaging"; Align-GVGD: "Class C0"). This variant is not present in population databases (gnomAD no frequency). This variant has not been reported in the literature in individuals affected with RAD51D-related conditions. ClinVar contains an entry for this variant (Variation ID: 231516). This sequence change replaces leucine, which is neutral and non-polar, with valine, which is neutral and non-polar, at codon 8 of the RAD51D protein (p.Leu8Val).

Ambry Genetics
Classification: Uncertain significance for Hereditary cancer-predisposing syndrome. Last evaluated: 2015-04-28. Review status: criteria provided, single submitter. Criteria: Ambry Variant Classification Scheme 2023. Collection method: clinical testing. Allele origin: germline.
Comment: The p.L8V variant (also known as c.22C>G), located in coding exon 1 of the RAD51D gene, results from a C to G substitution at nucleotide position 22. The leucine at codon 8 is replaced by valine, an amino acid with highly similar properties. This variant was not reported in population based cohorts in the following databases: Database of Single Nucleotide Polymorphisms (dbSNP), NHLBI Exome Sequencing Project (ESP), and 1000 Genomes Project. In the ESP, this variant was not observed in 6503 samples (13006 alleles) with coverage at this position. To date, this alteration has been detected with an allele frequency of approximately 0.002% (greater than 53,000 alleles tested) in our clinical cohort. This amino acid position is well conserved in available vertebrate species. In addition, this alteration is predicted to be benign and deleterious by PolyPhen and SIFT in silico analyses, respectively. Since supporting evidence is limited at this time, the clinical significance of p.L8V remains unclear.

NM_002878.4(RAD51D):c.22C>G (p.Leu8Val)

Genes: RAD51D (RAD51 paralog D; minus strand), RAD51L3-RFFL (RAD51L3-RFFL readthrough; minus strand). Cytogenetic location: 17q12.
Variant type: single nucleotide variant.
Coding change: c.22C>G on transcript NM_002878.4 (MANE Select); coding-DNA position 22, C replaced by G.
Protein change: p.Leu8Val; replaces leucine 8 with valine.
Molecular consequence: missense variant. On other transcripts: non-coding transcript variant (2).
Genome position (GRCh38, 1-based): chr17:35,119,592, G>C on the plus strand (C>G on the coding strand, the complement: RAD51D is on the minus strand). VCF-style: chr17-35119592-G-C. GRCh37 (hg19) VCF-style: chr17-33446611-G-C.
Other names: c.22C>G, p.Leu8Val (NM_001142571.2, NM_133629.3); short protein forms L8V.
Identifiers: ClinVar variation 231516 (VCV000231516.12), dbSNP rs876659203, ClinGen allele CA10580476.